The following is an entry in ClinVar:

ClinVar aggregate classification (germline): Uncertain significance (1 of 4 stars; one submission).

gnomAD v4.1: 1 of 1,614,054 alleles (0.000062%); highest among the groups gnomAD compares: South Asian, 0.0011%; no homozygotes.

Submission:

Labcorp Genetics (formerly Invitae), Labcorp
Classification: Uncertain significance. Last evaluated: 2025-09-26. Review status: criteria provided, single submitter. Criteria: Invitae Variant Classification Sherloc (09022015). Collection method: clinical testing. Allele origin: germline.
Comment: This sequence change replaces arginine, which is basic and polar, with lysine, which is basic and polar, at codon 3743 of the HMCN1 protein (p.Arg3743Lys). This variant is not present in population databases (gnomAD no frequency). This variant has not been reported in the literature in individuals affected with HMCN1-related conditions. An algorithm developed to predict the effect of missense changes on protein structure and function outputs the following: PolyPhen-2: "Benign". The lysine amino acid residue is found in multiple mammalian species, which suggests that this missense change does not adversely affect protein function. In summary, the available evidence is currently insufficient to determine the role of this variant in disease. Therefore, it has been classified as a Variant of Uncertain Significance.

NM_031935.3(HMCN1):c.11228G>A (p.Arg3743Lys)

Gene: HMCN1 (hemicentin 1; plus strand). Cytogenetic location: 1q31.1.
Variant type: single nucleotide variant.
Coding change: c.11228G>A on transcript NM_031935.3 (MANE Select); coding-DNA position 11228, G replaced by A.
Protein change: p.Arg3743Lys; replaces arginine 3743 with lysine.
Molecular consequence: missense variant.
Genome position (GRCh38, 1-based): chr1:186,114,075, G>A. VCF-style: chr1-186114075-G-A. GRCh37 (hg19) VCF-style: chr1-186083207-G-A.
Other names: short protein forms R3743K.
Identifiers: ClinVar variation 4763223 (VCV004763223.1).